The following is an entry in ClinVar:

ClinVar aggregate classification (germline): Uncertain significance. Review status: criteria provided, multiple submitters, no conflicts (2 of 4 stars). 3 submissions from 3 submitters: Uncertain significance (3). Last evaluated 2025-02-17.

Conditions:
Hereditary cancer-predisposing syndrome. Also called: Neoplastic Syndromes, Hereditary; Hereditary neoplastic syndrome; Tumor predisposition; Hereditary Cancer Syndrome. Identifiers: Orphanet 140162, MedGen C0027672, MeSH D009386, MONDO:0015356.
Fanconi anemia complementation group J. Also called: BRIP1-Related Fanconi Anemia. Identifiers: Orphanet 84, MedGen C1836860, MONDO:0012187, OMIM 609054.
Familial cancer of breast. Also called: BREAST CANCER, FAMILIAL; hereditary breast carcinoma; Hereditary breast cancer. Identifiers: Orphanet 227535, MedGen C0346153, MONDO:0016419, OMIM 114480. Disease mechanism: loss of function.

Submissions (3):

Labcorp Genetics (formerly Invitae), Labcorp
Classification: Uncertain significance for Familial cancer of breast; Fanconi anemia complementation group J. Last evaluated: 2025-02-17. Review status: criteria provided, single submitter. Criteria: Invitae Variant Classification Sherloc (09022015). Collection method: clinical testing. Allele origin: germline.
Comment: This sequence change results in a frameshift in the BRIP1 gene (p.Lys1249Asnfs*4). While this is not anticipated to result in nonsense mediated decay, it is expected to disrupt the last 1 amino acid(s) of the BRIP1 protein and extend the protein by 2 additional amino acid residues. This variant is not present in population databases (gnomAD no frequency). This variant has not been reported in the literature in individuals affected with BRIP1-related conditions. ClinVar contains an entry for this variant (Variation ID: 530351). Experimental studies and prediction algorithms are not available or were not evaluated, and the functional significance of this variant is currently unknown. In summary, the available evidence is currently insufficient to determine the role of this variant in disease. Therefore, it has been classified as a Variant of Uncertain Significance.

Ambry Genetics
Classification: Uncertain significance for Hereditary cancer-predisposing syndrome. Last evaluated: 2020-07-01. Review status: criteria provided, single submitter. Criteria: Ambry Variant Classification Scheme 2023. Collection method: clinical testing. Allele origin: germline.
Comment: The c.3747_3750delGTAA variant, located in coding exon 19 of the BRIP1 gene, results from a deletion of 4 nucleotides at nucleotide positions 3747 to 3750, causing a translational frameshift with a predicted alternate stop codon (p.K1249Nfs*4). This nucleotide region is not well conserved in available vertebrate species. Frameshifts are typically deleterious in nature, however, this frameshift occurs at the 3' terminus of BRIP1, is not expected to trigger nonsense-mediated mRNA decay, and results in the elongation of the protein by 2 amino acids. The exact functional impact of these inserted amino acids is unknown at this time. Since supporting evidence is limited at this time, the clinical significance of this alteration remains unclear.

Color Diagnostics, LLC DBA Color Health
Classification: Uncertain significance for Hereditary cancer-predisposing syndrome. Last evaluated: 2019-04-25. Review status: criteria provided, single submitter. Criteria: ACMG Guidelines, 2015. Collection method: clinical testing. Allele origin: germline.

NM_032043.3(BRIP1):c.3747_3750del (p.Lys1249fs)

Gene: BRIP1 (BRCA1 interacting DNA helicase 1; minus strand). Cytogenetic location: 17q23.2.
Variant type: Deletion.
Coding change: c.3747_3750del on transcript NM_032043.3 (MANE Select); coding-DNA positions 3747 to 3750, 4 bases deleted (GTAA; older notation c.3747_3750delGTAA).
Protein change: p.Lys1249fs; shifts the reading frame from lysine 1249.
Molecular consequence: frameshift variant.
Genome position (GRCh38, 1-based): chr17:61,683,296-61,683,299, TTAC deleted on the plus strand (GTAA on the coding strand, the reverse complement: BRIP1 is on the minus strand); deleting any 4 consecutive bases within chr17:61,683,296-61,683,302 gives the same sequence; the c. name uses the placement nearest the transcript's 3' end. VCF-style (leftmost placement, unchanged base first): chr17-61683295-ATTAC-A. GRCh37 (hg19) VCF-style: chr17-59760656-ATTAC-A.
Other names: c.3747_3750delGTAA (NM_032043.2); short protein forms K1249fs.
Identifiers: ClinVar variation 530351 (VCV000530351.13), dbSNP rs1555572410, ClinGen allele CA658798920.